The following is an entry in ClinVar:

NM_014856.3(DENND4B):c.1326+10G>A

Gene: DENND4B (DENN domain containing 4B; minus strand). Cytogenetic location: 1q21.3.
Variant type: single nucleotide variant.
Coding change: c.1326+10G>A on transcript NM_014856.3 (MANE Select); 10 bases into the intron after coding-DNA position 1326, G replaced by A.
Molecular consequence: intron variant.
Genome position (GRCh38, 1-based): chr1:153,940,894, C>T on the plus strand (G>A on the coding strand, the complement: DENND4B is on the minus strand). VCF-style: chr1-153940894-C-T. GRCh37 (hg19) VCF-style: chr1-153913370-C-T.
Other names: c.1359+10G>A (NM_001367466.1).
Identifiers: ClinVar variation 4986867 (VCV004986867.1).

ClinVar aggregate classification (germline): Likely benign (1 of 4 stars; one submission).

Conditions:
DENND4B-related disorder. Also called: DENND4B-related condition.

gnomAD v4.1: 98 of 1,558,600 alleles (0.0063%); highest among the groups gnomAD compares: African/African-American, 0.011%; no homozygotes.

Submission:

PreventionGenetics, part of Exact Sciences
Classification: Likely benign for DENND4B-related condition. Last evaluated: 2025-06-16. Review status: criteria provided, single submitter. Criteria: ACMG Guidelines, 2015. Collection method: clinical testing. Allele origin: germline.
Comment: This variant is classified as likely benign based on ACMG/AMP sequence variant interpretation guidelines (Richards et al. 2015 PMID: 25741868, with internal and published modifications).